The following is an entry in ClinVar:

NM_000051.4(ATM):c.405T>G (p.Ala135=)

Gene: ATM (ATM serine/threonine kinase; plus strand). Cytogenetic location: 11q22.3.
Variant type: single nucleotide variant.
Coding change: c.405T>G on transcript NM_000051.4 (MANE Select); coding-DNA position 405, T replaced by G.
Protein change: p.Ala135=; no amino-acid change (alanine 135 retained).
Molecular consequence: synonymous variant.
Genome position (GRCh38, 1-based): chr11:108,235,743, T>G. VCF-style: chr11-108235743-T-G. GRCh37 (hg19) VCF-style: chr11-108106470-T-G.
Other names: c.405T>G, p.Ala135= (NM_001351834.2).
Identifiers: ClinVar variation 1119484 (VCV001119484.12), dbSNP rs2135123254, ClinGen allele CA476670380.

ClinVar aggregate classification (germline): Benign/Likely benign. Review status: criteria provided, multiple submitters, no conflicts (2 of 4 stars). 3 submissions from 3 submitters: Benign (1); Likely benign (2). Last evaluated 2024-04-19.

Conditions:
Familial cancer of breast. Also called: BREAST CANCER, FAMILIAL; Hereditary breast cancer; hereditary breast carcinoma. Identifiers: Orphanet 227535, MedGen C0346153, MONDO:0016419, OMIM 114480. Disease mechanism: loss of function.
Hereditary cancer-predisposing syndrome. Also called: Neoplastic Syndromes, Hereditary; Hereditary Cancer Syndrome; Hereditary neoplastic syndrome; Tumor predisposition. Identifiers: Orphanet 140162, MedGen C0027672, MeSH D009386, MONDO:0015356.
Ataxia-telangiectasia syndrome (AT). Also called: Ataxia-telangiectasia, complementation group E; Cerebello-oculocutaneous telangiectasia; Immunodeficiency with ataxia telangiectasia; AT, COMPLEMENTATION GROUP C; Ataxia-telangiectasia, complementation group D; Ataxia telangiectasia (A-T). Identifiers: Orphanet 100, MedGen C0004135, MONDO:0008840, OMIM 208900.

Allele frequency attached by ClinVar (database versions not stated): gnomAD exomes 0.00001.
gnomAD v4.1: 5 of 1,612,918 alleles (0.00031%); highest among the groups gnomAD compares: Non-Finnish European, 0.00042%; no homozygotes.

Submissions (3):

Myriad Genetics, Inc.
Classification: Benign for Familial cancer of breast. Last evaluated: 2024-04-19. Review status: criteria provided, single submitter. Criteria: Myriad Autosomal Dominant, Autosomal Recessive and X-Linked Classification Criteria (2023). Collection method: clinical testing. Allele origin: unknown.
Comment: This variant is considered benign. This variant is a silent/synonymous amino acid change and it is not expected to impact splicing.

Labcorp Genetics (formerly Invitae), Labcorp
Classification: Likely benign for Ataxia-telangiectasia syndrome. Last evaluated: 2022-08-22. Review status: criteria provided, single submitter. Criteria: Invitae Variant Classification Sherloc (09022015). Collection method: clinical testing. Allele origin: germline.

Ambry Genetics
Classification: Likely benign for Hereditary cancer-predisposing syndrome. Last evaluated: 2019-08-22. Review status: criteria provided, single submitter. Criteria: Ambry Variant Classification Scheme 2023. Collection method: clinical testing. Allele origin: germline.